The following is an entry in ClinVar:

ClinVar aggregate classification (germline): Uncertain significance (1 of 4 stars; one submission).

gnomAD v4.1: 2 of 1,614,126 alleles (0.00012%); highest among the groups gnomAD compares: Non-Finnish European, 0.00017%; no homozygotes.

Submission:

Mayo Clinic Laboratories, Mayo Clinic
Classification: Uncertain significance. Last evaluated: 2025-06-13. Review status: criteria provided, single submitter. Criteria: ACMG Guidelines, 2015. Collection method: clinical testing. Allele origin: germline. Observed: 1 variant allele.
Comment: PM2_supporting

NM_000130.5(F5):c.1078A>G (p.Ile360Val)

Gene: F5 (coagulation factor V; minus strand). Cytogenetic location: 1q24.2.
Variant type: single nucleotide variant.
Coding change: c.1078A>G on transcript NM_000130.5 (MANE Select); coding-DNA position 1078, A replaced by G.
Protein change: p.Ile360Val; replaces isoleucine 360 with valine.
Molecular consequence: missense variant.
Genome position (GRCh38, 1-based): chr1:169,555,222, T>C on the plus strand (A>G on the coding strand, the complement: F5 is on the minus strand). VCF-style: chr1-169555222-T-C. GRCh37 (hg19) VCF-style: chr1-169524460-T-C.
Other names: p.Ile360Val; short protein forms I360V.
Identifiers: ClinVar variation 4541878 (VCV004541878.1).